The following is an entry in ClinVar:

NM_030773.4(TUBB1):c.976G>T (p.Val326Leu)

Gene: TUBB1 (tubulin beta 1 class VI; plus strand). Cytogenetic location: 20q13.32.
Variant type: single nucleotide variant.
Coding change: c.976G>T on transcript NM_030773.4 (MANE Select); coding-DNA position 976, G replaced by T.
Protein change: p.Val326Leu; replaces valine 326 with leucine.
Molecular consequence: missense variant.
Genome position (GRCh38, 1-based): chr20:59,024,403, G>T. VCF-style: chr20-59024403-G-T. GRCh37 (hg19) VCF-style: chr20-57599458-G-T.
Other names: short protein forms V326L.
Identifiers: ClinVar variation 1337904 (VCV001337904.4), dbSNP rs2146377607, ClinGen allele CA409468054.

ClinVar aggregate classification (germline): Uncertain significance (1 of 4 stars; one submission).

Submission:

Genetic Services Laboratory, University of Chicago
Classification: Uncertain significance. Last evaluated: 2021-03-29. Review status: criteria provided, single submitter. Criteria: ACMG Guidelines, 2015. Collection method: clinical testing. Allele origin: germline. Affected: no.
Comment: DNA sequence analysis of the TUBB1 gene demonstrated a sequence change, c.976G>T, in exon 4 that results in an amino acid change, p.Val326Leu. This sequence change is absent from known population databases (gnomAD). The p.Val326Leu change affects a highly conserved amino acid residue located in a domain of the TUBB1 protein that is known to be functional. The p.Val326Leu substitution appears to be damaging using several in-silico pathogenicity prediction tools (SIFT, PolyPhen2, Align GVGD, REVEL). This sequence change does not appear to have been previously described in patients with TUBB1-related disorders. Due to the lack of sufficient evidences, the clinical significance of the p.Val326Leu change remains unknown at this time.